The following is an entry in ClinVar:

NM_004817.4(TJP2):c.3408-1G>A

Gene: TJP2 (tight junction protein 2; plus strand). Cytogenetic location: 9q21.11.
Variant type: single nucleotide variant.
Coding change: c.3408-1G>A on transcript NM_004817.4 (MANE Select); the canonical splice acceptor site of the intron before coding-DNA position 3408, G replaced by A.
Molecular consequence: splice acceptor variant.
Genome position (GRCh38, 1-based): chr9:69,254,208, G>A. VCF-style: chr9-69254208-G-A. GRCh37 (hg19) VCF-style: chr9-71869124-G-A.
Other names: c.2898-1G>A (NM_001170414.2); c.3333-1G>A (NM_001369870.1); c.3339-1G>A (NM_001369871.1); c.2967-1G>A (NM_201629.3); c.3297-1G>A (NM_001369872.1); c.3084-1G>A (NM_001369873.1); c.3309-1G>A (NM_001170415.1); c.3501-1G>A (NM_001170416.2); and 2 more.
Identifiers: ClinVar variation 4885108 (VCV004885108.2).

ClinVar aggregate classification (germline): Uncertain significance (1 of 4 stars; one submission).

Submission:

Dasa
Classification: Uncertain significance. Last evaluated: 2024-10-01. Review status: criteria provided, single submitter. Criteria: DASA Assertion Criteria. Collection method: clinical testing. Allele origin: germline.
Comment: NM_004817.4(TJP2):c.3408-1G>A affects a canonical splice site and is predicted to disrupt normal RNA splicing. This variant is absent from population databases. The currently available literature and clinical evidence are not sufficient to establish a definitive association between this variant and the reported condition. Therefore, this variant is classified as a variant of uncertain significance.